The following is an entry in ClinVar:

ClinVar aggregate classification (germline): Uncertain significance (1 of 4 stars; one submission).

Submission:

GeneDx
Classification: Uncertain significance. Last evaluated: 2024-05-07. Review status: criteria provided, single submitter. Criteria: GeneDx Variant Classification Process June 2021. Collection method: clinical testing. Allele origin: germline. Affected: yes.
Comment: Not observed at significant frequency in large population cohorts (gnomAD); In silico analysis supports that this missense variant has a deleterious effect on protein structure/function; Has not been previously published as pathogenic or benign to our knowledge

NM_003482.4(KMT2D):c.881G>A (p.Cys294Tyr)

Gene: KMT2D (lysine methyltransferase 2D; minus strand). Cytogenetic location: 12q13.12.
Variant type: single nucleotide variant.
Coding change: c.881G>A on transcript NM_003482.4 (MANE Select); coding-DNA position 881, G replaced by A.
Protein change: p.Cys294Tyr; replaces cysteine 294 with tyrosine.
Molecular consequence: missense variant.
Genome position (GRCh38, 1-based): chr12:49,053,280, C>T on the plus strand (G>A on the coding strand, the complement: KMT2D is on the minus strand). VCF-style: chr12-49053280-C-T. GRCh37 (hg19) VCF-style: chr12-49447063-C-T.
Other names: short protein forms C294Y.
Identifiers: ClinVar variation 3376082 (VCV003376082.1).